The following is an entry in ClinVar:

NM_024675.4(PALB2):c.2997-624G>C

Gene: PALB2 (partner and localizer of BRCA2; minus strand). Cytogenetic location: 16p12.2.
Variant type: single nucleotide variant.
Coding change: c.2997-624G>C on transcript NM_024675.4 (MANE Select); 624 bases into the intron before coding-DNA position 2997, G replaced by C.
Molecular consequence: intron variant.
Genome position (GRCh38, 1-based): chr16:23,622,102, C>G on the plus strand (G>C on the coding strand, the complement: PALB2 is on the minus strand). VCF-style: chr16-23622102-C-G. GRCh37 (hg19) VCF-style: chr16-23633423-C-G.
Identifiers: ClinVar variation 126704 (VCV000126704.3), dbSNP rs447529, ClinGen allele CA269593.

ClinVar aggregate classification (germline): Benign (0 of 4 stars; one submission).

Conditions:
Familial cancer of breast. Also called: BREAST CANCER, FAMILIAL; hereditary breast carcinoma; Hereditary breast cancer. Identifiers: Orphanet 227535, MedGen C0346153, MONDO:0016419, OMIM 114480. Disease mechanism: loss of function.

Allele frequency attached by ClinVar (database versions not stated): gnomAD 0.12837 and 0.12992; 1000 Genomes Project 30x 0.15256; TOPMed 0.13409; 1000 Genomes Project 0.15016.
gnomAD v4.1: 19,566 of 152,100 alleles (13%); highest among the groups gnomAD compares: African/African-American, 21%; 1,517 homozygotes.

Submission:

Leiden Open Variation Database
Classification: Benign for Familial cancer of breast. Last evaluated: 2019-05-13. Review status: no assertion criteria provided. Collection method: curation. Allele origin: germline. Affected: yes.
Comment: Curators: Marc Tischkowitz, Arleen D. Auerbach. Submitter to LOVD: Marc Tischkowitz.

Literature cited by the submitters: PubMed 18446436.